The following is an entry in ClinVar:

NM_144701.3(IL23R):c.482A>G (p.His161Arg)

Gene: IL23R (interleukin 23 receptor; plus strand). Cytogenetic location: 1p31.3.
Variant type: single nucleotide variant.
Coding change: c.482A>G on transcript NM_144701.3 (MANE Select); coding-DNA position 482, A replaced by G.
Protein change: p.His161Arg; replaces histidine 161 with arginine.
Molecular consequence: missense variant.
Genome position (GRCh38, 1-based): chr1:67,182,950, A>G. VCF-style: chr1-67182950-A-G. GRCh37 (hg19) VCF-style: chr1-67648633-A-G.
Other names: short protein forms H161R.
Identifiers: ClinVar variation 2732723 (VCV002732723.3), dbSNP rs376377228, ClinGen allele CA899720.
Genomic context (GRCh38, chr1:67,182,950, plus strand): 5'-ACATGACTTGCACCTGGAATGCTGGGAAGCTCACCTACATAGACACAAAATACGTGGTAC[A>G]TGTGAAGAGGTAGGTCACTTCCTCACGGCTTCATATAAGCAGTTCCACCCCAGTTCAGCC-3'
Protein context (NP_653302.2, residues 151-171): LTYIDTKYVV[His161Arg]VKSLETEEEQ

ClinVar aggregate classification (germline): Uncertain significance (1 of 4 stars; one submission).

Allele frequency attached by ClinVar (database versions not stated): ExAC 0.00003; gnomAD 0.00003; TOPMed 0.00003; ESP Exome Variant Server 0.00008; gnomAD exomes 0.00009.

Submission:

Labcorp Genetics (formerly Invitae), Labcorp
Classification: Uncertain significance. Last evaluated: 2024-06-04. Review status: criteria provided, single submitter. Criteria: Invitae Variant Classification Sherloc (09022015). Collection method: clinical testing. Allele origin: germline.
Comment: This sequence change replaces histidine, which is basic and polar, with arginine, which is basic and polar, at codon 161 of the IL23R protein (p.His161Arg). This variant is present in population databases (rs376377228, gnomAD 0.004%). This variant has not been reported in the literature in individuals affected with IL23R-related conditions. Algorithms developed to predict the effect of missense changes on protein structure and function output the following: SIFT: "Not Available"; PolyPhen-2: "Benign"; Align-GVGD: "Not Available". The arginine amino acid residue is found in multiple mammalian species, which suggests that this missense change does not adversely affect protein function. Algorithms developed to predict the effect of sequence changes on RNA splicing suggest that this variant may create or strengthen a splice site. In summary, the available evidence is currently insufficient to determine the role of this variant in disease. Therefore, it has been classified as a Variant of Uncertain Significance.